The following is an entry in ClinVar:

ClinVar aggregate classification (germline): Pathogenic. Review status: criteria provided, single submitter (1 of 4 stars). 3 submissions from 3 submitters: Pathogenic (1). 2 of the submissions do not count toward it. Last evaluated 2020-10-23.

Conditions:
Hyperekplexia 1 (STHE). Also called: HYPEREKPLEXIA 1, AUTOSOMAL DOMINANT; HYPEREKPLEXIA 1, AUTOSOMAL RECESSIVE; STARTLE DISEASE, FAMILIAL; STIFF-BABY SYNDROME; STIFF-MAN SYNDROME, CONGENITAL; STIFF-PERSON SYNDROME, CONGENITAL. Identifiers: Orphanet 3197, MedGen C4551954, MONDO:0007868, OMIM 149400.

Submissions (3):

Institute of Medical Genetics and Applied Genomics, University Hospital Tübingen
Classification: Pathogenic. Last evaluated: 2020-10-23. Review status: criteria provided, single submitter. Criteria: ACMG Guidelines, 2015. Collection method: clinical testing. Allele origin: germline. Inheritance: Autosomal unknown. Affected: yes.

GeneReviews
Classification: Pathogenic for Hyperekplexia. Last evaluated: 2012-10-04. Review status: no assertion criteria provided. Collection method: curation. Allele origin: unknown. Not counted in ClinVar's aggregate classification.
ClinVar note: Converted during submission from pathologic to Pathogenic.

OMIM
Classification: Pathogenic for HYPEREKPLEXIA 1, AUTOSOMAL DOMINANT. Last evaluated: 1997-01-01. Review status: no assertion criteria provided. Collection method: literature only. Allele origin: germline. Not counted in ClinVar's aggregate classification.

Literature cited by the submitters: PubMed 8733061 (cited by OMIM); PubMed 9067762 (cited by OMIM).

NM_000171.4(GLRA1):c.910A>G (p.Lys304Glu)

Gene: GLRA1 (glycine receptor alpha 1; minus strand). Cytogenetic location: 5q33.1.
Variant type: single nucleotide variant.
Coding change: c.910A>G on transcript NM_000171.4 (MANE Select); coding-DNA position 910, A replaced by G.
Protein change: p.Lys304Glu; replaces lysine 304 with glutamic acid.
Molecular consequence: missense variant.
Genome position (GRCh38, 1-based): chr5:151,851,392, T>C on the plus strand (A>G on the coding strand, the complement: GLRA1 is on the minus strand). VCF-style: chr5-151851392-T-C. GRCh37 (hg19) VCF-style: chr5-151230953-T-C.
Other names: K276E; A1206G; c.910A>G, p.Lys304Glu (NM_001146040.2); c.661A>G, p.Lys221Glu (NM_001292000.2); short protein forms K304E, K221E.
Identifiers: ClinVar variation 16065 (VCV000016065.5), dbSNP rs121918412, ClinGen allele CA341367.
Genomic context (GRCh38, chr5:151,851,392, plus strand): 5'-AAGTAGGTGCTGTCCTTATTTGTCCAGGTGTTCTGTGCTCTTGGGCAATGGGACTTACCT[T>C]GGGCAGAGATGCTCGAGAGCCGGAGCTCTGGGTGGTCATGGTGAGCACAGTGGTGATGCC-3'
Protein context (NP_000162.2, residues 294-314): QSSGSRASLP[Lys304Glu]VSYVKAIDIW